The following is an entry in ClinVar:

NM_012208.4(HARS2):c.1055C>T (p.Pro352Leu)

Gene: HARS2 (histidyl-tRNA synthetase 2, mitochondrial; plus strand). Cytogenetic location: 5q31.3.
Variant type: single nucleotide variant.
Coding change: c.1055C>T on transcript NM_012208.4 (MANE Select); coding-DNA position 1055, C replaced by T.
Protein change: p.Pro352Leu; replaces proline 352 with leucine.
Molecular consequence: missense variant.
Genome position (GRCh38, 1-based): chr5:140,697,264, C>T. VCF-style: chr5-140697264-C-T. GRCh37 (hg19) VCF-style: chr5-140076849-C-T.
Other names: c.980C>T, p.Pro327Leu (NM_001278731.2); c.623C>T, p.Pro208Leu (NM_001278732.2); c.1073C>T, p.Pro358Leu (NM_001363535.2); c.845C>T, p.Pro282Leu (NM_001363536.2); short protein forms P282L, P358L, P208L, P327L, P352L.
Identifiers: ClinVar variation 1898079 (VCV001898079.6), dbSNP rs201084498, ClinGen allele CA3444605.

ClinVar aggregate classification (germline): Uncertain significance. Review status: criteria provided, multiple submitters, no conflicts (2 of 4 stars). 3 submissions from 3 submitters: Uncertain significance (3). Last evaluated 2024-09-03.

Conditions:
Inborn genetic diseases. Identifiers: MedGen C0950123, MeSH D030342.

Allele frequency attached by ClinVar (database versions not stated): TOPMed 0.00002; gnomAD 0.00003; gnomAD exomes 0.00004; ExAC 0.00010; 1000 Genomes Project 30x 0.00016; 1000 Genomes Project 0.00020.
gnomAD v4.1: 67 of 1,614,116 alleles (0.0042%); highest among the groups gnomAD compares: East Asian, 0.14%; no homozygotes.

Submissions (3):

Labcorp Genetics (formerly Invitae), Labcorp
Classification: Uncertain significance. Last evaluated: 2024-09-03. Review status: criteria provided, single submitter. Criteria: Invitae Variant Classification Sherloc (09022015). Collection method: clinical testing. Allele origin: germline.
Comment: This sequence change replaces proline, which is neutral and non-polar, with leucine, which is neutral and non-polar, at codon 352 of the HARS2 protein (p.Pro352Leu). This variant is present in population databases (rs201084498, gnomAD 0.2%). This variant has not been reported in the literature in individuals affected with HARS2-related conditions. ClinVar contains an entry for this variant (Variation ID: 1898079). An algorithm developed to predict the effect of missense changes on protein structure and function (PolyPhen-2) suggests that this variant is likely to be tolerated. In summary, the available evidence is currently insufficient to determine the role of this variant in disease. Therefore, it has been classified as a Variant of Uncertain Significance.

Blueprint Genetics
Classification: Uncertain significance. Last evaluated: 2023-04-21. Review status: criteria provided, single submitter. Criteria: ACMG Guidelines, 2015. Collection method: clinical testing. Allele origin: germline.

Ambry Genetics
Classification: Uncertain significance for Inborn genetic diseases. Last evaluated: 2022-10-26. Review status: criteria provided, single submitter. Criteria: Ambry Variant Classification Scheme 2023. Collection method: clinical testing. Allele origin: germline.